The following is an entry in ClinVar:

NM_001457.4(FLNB):c.1247G>A (p.Cys416Tyr)

Gene: FLNB (filamin B; plus strand). Cytogenetic location: 3p14.3.
Variant type: single nucleotide variant.
Coding change: c.1247G>A on transcript NM_001457.4 (MANE Select); coding-DNA position 1247, G replaced by A.
Protein change: p.Cys416Tyr; replaces cysteine 416 with tyrosine.
Molecular consequence: missense variant.
Genome position (GRCh38, 1-based): chr3:58,098,810, G>A. VCF-style: chr3-58098810-G-A. GRCh37 (hg19) VCF-style: chr3-58084537-G-A.
Other names: c.1247G>A, p.Cys416Tyr (NM_001164317.2, NM_001164318.2, NM_001164319.2); short protein forms C416Y.
Identifiers: ClinVar variation 3605816 (VCV003605816.2).

ClinVar aggregate classification (germline): Uncertain significance (1 of 4 stars; one submission).

gnomAD v4.1: 6 of 1,614,178 alleles (0.00037%); highest among the groups gnomAD compares: Non-Finnish European, 0.00034%; no homozygotes.

Submission:

Labcorp Genetics (formerly Invitae), Labcorp
Classification: Uncertain significance. Last evaluated: 2024-02-17. Review status: criteria provided, single submitter. Criteria: Invitae Variant Classification Sherloc (09022015). Collection method: clinical testing. Allele origin: germline.
Comment: This sequence change replaces cysteine, which is neutral and slightly polar, with tyrosine, which is neutral and polar, at codon 416 of the FLNB protein (p.Cys416Tyr). This variant is present in population databases (no rsID available, gnomAD 0.0009%). This variant has not been reported in the literature in individuals affected with FLNB-related conditions. Advanced modeling of protein sequence and biophysical properties (such as structural, functional, and spatial information, amino acid conservation, physicochemical variation, residue mobility, and thermodynamic stability) performed at Invitae indicates that this missense variant is not expected to disrupt FLNB protein function with a negative predictive value of 95%. In summary, the available evidence is currently insufficient to determine the role of this variant in disease. Therefore, it has been classified as a Variant of Uncertain Significance.